The following is an entry in ClinVar:

ClinVar aggregate classification (germline): Uncertain significance (1 of 4 stars; one submission).

Submission:

GeneDx
Classification: Uncertain significance. Last evaluated: 2024-10-14. Review status: criteria provided, single submitter. Criteria: GeneDx Variant Classification Process June 2021. Collection method: clinical testing. Allele origin: germline. Affected: yes.
Comment: Not observed at significant frequency in large population cohorts (gnomAD); Nonsense variant predicted to result in protein truncation or nonsense mediated decay in a gene or region of a gene for which loss of function is not a well-established mechanism of disease; Has not been previously published as pathogenic or benign to our knowledge

NM_001003800.2(BICD2):c.1668C>G (p.Tyr556Ter)

Gene: BICD2 (BICD cargo adaptor 2; minus strand). Cytogenetic location: 9q22.31.
Variant type: single nucleotide variant.
Coding change: c.1668C>G on transcript NM_001003800.2 (MANE Select); coding-DNA position 1668, C replaced by G.
Protein change: p.Tyr556Ter; replaces tyrosine 556 with a stop codon.
Molecular consequence: nonsense.
Genome position (GRCh38, 1-based): chr9:92,718,977, G>C on the plus strand (C>G on the coding strand, the complement: BICD2 is on the minus strand). VCF-style: chr9-92718977-G-C. GRCh37 (hg19) VCF-style: chr9-95481259-G-C.
Other names: c.1668C>G, p.Tyr556Ter (NM_015250.4); short protein forms Y556*.
Identifiers: ClinVar variation 3777592 (VCV003777592.1).